The following is an entry in ClinVar:

NM_005257.6(GATA6):c.723_755del (p.Ala242_Ala252del)

Gene: GATA6 (GATA binding protein 6; plus strand). Cytogenetic location: 18q11.2.
Variant type: Deletion.
Coding change: c.723_755del on transcript NM_005257.6 (MANE Select); coding-DNA positions 723 to 755, 33 bases deleted.
Protein change: p.Ala242_Ala252del.
Molecular consequence: inframe deletion.
Genome position (GRCh38, 1-based): chr18:22,171,867-22,171,899, 33 bases deleted; deleting any 33 consecutive bases within chr18:22,171,859-22,171,899 gives the same sequence; the c. name uses the placement nearest the transcript's 3' end. GRCh37 (hg19): chr18:19,751,828-19,751,860.
Identifiers: ClinVar variation 1315292 (VCV001315292.3), dbSNP rs2143277132, ClinGen allele CA2573054629.
Genomic context (GRCh38, chr18:22,171,858, plus strand): 5'-CGCGGGCGCGCACCCCGGCTGGCCTCAGGCCTCGGCCGACAGCCCTCCATACGGCAGCGG[AGGCGGCGCGGCTGGCGGCGGGGCCGCGGGGCCT>A]GGCGGCGCTGGCTCAGCCGCGGCGCACGTCTCGGCGCGCTTCCCCTACTCTCCCAGCCCG-3'

ClinVar aggregate classification (germline): Uncertain significance (1 of 4 stars; one submission).

Submission:

GeneDx
Classification: Uncertain significance. Last evaluated: 2025-03-19. Review status: criteria provided, single submitter. Criteria: GeneDx Variant Classification Process June 2021. Collection method: clinical testing. Allele origin: germline. Affected: yes.
Comment: Not observed at significant frequency in large population cohorts (gnomAD); In-frame deletion of 11 amino acids in a non-repeat region; In silico analysis supports that this variant does not alter protein structure/function; Has not been previously published as pathogenic or benign to our knowledge